The following is an entry in ClinVar:

ClinVar aggregate classification (germline): Pathogenic/Likely pathogenic. Review status: criteria provided, multiple submitters, no conflicts (2 of 4 stars). 3 submissions from 2 submitters: Pathogenic (2); Likely pathogenic (1). Last evaluated 2022-07-06.

Conditions:
Intellectual disability. Also called: intellectual disabilities; Intellectual developmental disorder; Intellectual functioning disability. Identifiers: MedGen C3714756, MeSH D008607, MONDO:0001071, HP:0001249.
Familial focal epilepsy with variable foci (FPEVF). Identifiers: Orphanet 98820, MedGen C1858477, MONDO:0020310.
Epilepsy, familial focal, with variable foci 1 (FFEVF1). Also called: DEPDC5-Related Epilepsy. Identifiers: MedGen C4551983, MONDO:0024556, OMIM 604364.

Submissions (3):

Labcorp Genetics (formerly Invitae), Labcorp
Classification: Pathogenic for Familial focal epilepsy with variable foci. Last evaluated: 2022-07-06. Review status: criteria provided, single submitter. Criteria: Invitae Variant Classification Sherloc (09022015). Collection method: clinical testing. Allele origin: germline.
Comment: ClinVar contains an entry for this variant (Variation ID: 654060). For these reasons, this variant has been classified as Pathogenic. Algorithms developed to predict the effect of sequence changes on RNA splicing suggest that this variant may create or strengthen a splice site. This variant has not been reported in the literature in individuals affected with DEPDC5-related conditions. This variant is not present in population databases (gnomAD no frequency). This sequence change creates a premature translational stop signal (p.Val340Trpfs*11) in the DEPDC5 gene. It is expected to result in an absent or disrupted protein product. Loss-of-function variants in DEPDC5 are known to be pathogenic (PMID: 23542697, 23542701).

Institute of Human Genetics, University of Leipzig Medical Center
Classification: Pathogenic for Epilepsy, familial focal, with variable foci 1. Last evaluated: 2022-01-14. Review status: criteria provided, single submitter. Criteria: ACMG Guidelines, 2015. Collection method: clinical testing. Allele origin: unknown. Affected: yes.
Comment: _x000D_ Criteria applied: PVS1, PS4_MOD, PM2_SUP

Institute of Human Genetics, University of Leipzig Medical Center
Classification: Likely pathogenic for Intellectual disability. Last evaluated: 2020-08-03. Review status: criteria provided, single submitter. Criteria: ACMG Guidelines, 2015. Collection method: clinical testing. Allele origin: maternal. Affected: yes.

Literature cited by the submitters: PubMed 23542697 (cited by Labcorp Genetics (formerly Invitae), Labcorp); PubMed 23542701 (cited by Labcorp Genetics (formerly Invitae), Labcorp).

NM_001242896.3(DEPDC5):c.1018del (p.Val340fs)

Gene: DEPDC5 (DEP domain containing 5, GATOR1 subcomplex subunit; plus strand). Cytogenetic location: 22q12.3.
Variant type: Deletion.
Coding change: c.1018del on transcript NM_001242896.3 (MANE Select); coding-DNA position 1018, one base deleted (G; older notation c.1018delG).
Protein change: p.Val340fs; shifts the reading frame from valine 340.
Molecular consequence: frameshift variant. On other transcripts: non-coding transcript variant (5).
Genome position (GRCh38, 1-based): chr22:31,802,775, G deleted; the last of 4 consecutive G bases (chr22:31,802,772-31,802,775); deleting any one gives the same sequence. VCF-style (leftmost placement, unchanged base first): chr22-31802771-CG-C. GRCh37 (hg19) VCF-style: chr22-32198757-CG-C.
Other names: c.1018del, p.Val340fs (NM_001007188.4, NM_001136029.4, NM_001242897.2 and 7 more transcripts); c.934del, p.Val312fs (NM_001369901.1, NM_001369902.1); short protein forms V312fs, V340fs.
Identifiers: ClinVar variation 654060 (VCV000654060.12), dbSNP rs1601970168, ClinGen allele CA915952308.